The following is an entry in ClinVar:

NM_000179.3(MSH6):c.1707C>T (p.Phe569=)

Gene: MSH6 (mutS homolog 6; plus strand). Cytogenetic location: 2p16.3.
Variant type: single nucleotide variant.
Coding change: c.1707C>T on transcript NM_000179.3 (MANE Select); coding-DNA position 1707, C replaced by T.
Protein change: p.Phe569=; no amino-acid change (phenylalanine 569 retained).
Molecular consequence: synonymous variant.
Genome position (GRCh38, 1-based): chr2:47,799,690, C>T. VCF-style: chr2-47799690-C-T. GRCh37 (hg19) VCF-style: chr2-48026829-C-T.
Other names: c.1317C>T, p.Phe439= (NM_001281492.2); c.801C>T, p.Phe267= (NM_001281493.2, NM_001281494.2).
Identifiers: ClinVar variation 525909 (VCV000525909.16), dbSNP rs1553413086, ClinGen allele CA426120975.

ClinVar aggregate classification (germline): Conflicting classifications of pathogenicity. Review status: criteria provided, conflicting classifications (1 of 4 stars). 6 submissions from 6 submitters: Uncertain significance (1); Benign (1); Likely benign (4). Last evaluated 2024-12-27.

Conditions:
Lynch syndrome 5 (LYNCH5). Also called: Colorectal cancer, hereditary nonpolyposis, type 5; Hereditary non-polyposis colorectal cancer, type 5. Identifiers: Orphanet 144, MedGen C1833477, MONDO:0013710, OMIM 614350. Disease mechanism: loss of function.
Hereditary nonpolyposis colorectal neoplasms. Identifiers: MedGen C0009405, MeSH D003123.
Hereditary cancer-predisposing syndrome. Also called: Neoplastic Syndromes, Hereditary; Tumor predisposition; Hereditary Cancer Syndrome; Hereditary neoplastic syndrome. Identifiers: Orphanet 140162, MedGen C0027672, MeSH D009386, MONDO:0015356.
Lynch syndrome. Identifiers: Orphanet 144, MedGen C4552100, MONDO:0005835. Disease mechanism: loss of function.

Allele frequency attached by ClinVar (database versions not stated): gnomAD 0.00001.
gnomAD v4.1: 1 of 1,614,052 alleles (0.000062%); highest among the groups gnomAD compares: African/African-American, 0.0013%; no homozygotes.

Submissions (6):

Myriad Genetics, Inc.
Classification: Benign for Lynch syndrome 5. Last evaluated: 2024-12-27. Review status: criteria provided, single submitter. Criteria: Myriad Autosomal Dominant, Autosomal Recessive and X-Linked Classification Criteria (2023). Collection method: clinical testing. Allele origin: unknown.
Comment: This variant is considered benign. This variant is a silent/synonymous amino acid change and it is not expected to impact splicing.

Labcorp Genetics (formerly Invitae), Labcorp
Classification: Likely benign for Hereditary nonpolyposis colorectal neoplasms. Last evaluated: 2024-10-30. Review status: criteria provided, single submitter. Criteria: Invitae Variant Classification Sherloc (09022015). Collection method: clinical testing. Allele origin: germline.

All of Us Research Program, National Institutes of Health
Classification: Likely benign for Lynch syndrome. Last evaluated: 2024-03-05. Review status: criteria provided, single submitter. Criteria: ACMG Guidelines, 2015. Collection method: clinical testing. Allele origin: germline. Inheritance: Autosomal dominant inheritance. Observed: 1 variant allele, 1 heterozygote.
Comment: This study involves interpretation of variants in research participants for the purpose of population health screening. Participant phenotype was not available at the time of variant classification. Additional details can be found in publication PMID: 35346344, PMCID: PMC8962531

Sema4
Classification: Uncertain significance for Hereditary cancer-predisposing syndrome. Last evaluated: 2021-08-24. Review status: criteria provided, single submitter. Criteria: Sema4 Curation Guidelines. Collection method: curation. Allele origin: germline.
Comment: The MSH6 c.1707C>T (p.F569=) variant has not been reported in the literature to our knowledge. It was not observed in the large and broad cohorts of the Genome Aggregation Database. The variant has been reported in ClinVar (Variation ID 525909). Splice site prediction tools suggest that this variant may impact splicing, however these predictions have not been confirmed by transcriptional studies. The evidence is insufficient to meet ACMG/AMP criteria for classifying the variant as benign or pathogenic. Thus, the clinical significance of this variant is currently uncertain.

Ambry Genetics
Classification: Likely benign for Hereditary cancer-predisposing syndrome. Last evaluated: 2020-06-03. Review status: criteria provided, single submitter. Criteria: Ambry Variant Classification Scheme 2023. Collection method: clinical testing. Allele origin: germline.

Color Diagnostics, LLC DBA Color Health
Classification: Likely benign for Hereditary cancer-predisposing syndrome. Last evaluated: 2019-11-25. Review status: criteria provided, single submitter. Criteria: ACMG Guidelines, 2015. Collection method: clinical testing. Allele origin: germline.